The following is an entry in ClinVar:

ClinVar aggregate classification (germline): Uncertain significance. Review status: criteria provided, multiple submitters, no conflicts (2 of 4 stars). 2 submissions from 2 submitters: Uncertain significance (2). Last evaluated 2025-11-27.

Allele frequency attached by ClinVar (database versions not stated): gnomAD below 0.00001 and 0.00002; gnomAD exomes 0.00002 and 0.00005; TOPMed 0.00002; ExAC 0.00006; 1000 Genomes Project 30x 0.00031.

Submissions (2):

Labcorp Genetics (formerly Invitae), Labcorp
Classification: Uncertain significance. Last evaluated: 2025-11-27. Review status: criteria provided, single submitter. Criteria: Invitae Variant Classification Sherloc (09022015). Collection method: clinical testing. Allele origin: germline.
Comment: This sequence change replaces valine, which is neutral and non-polar, with isoleucine, which is neutral and non-polar, at codon 228 of the SZT2 protein (p.Val228Ile). This variant is present in population databases (rs755334344, gnomAD 0.02%). This variant has not been reported in the literature in individuals affected with SZT2-related conditions. ClinVar contains an entry for this variant (Variation ID: 656227). Invitae Evidence Modeling of protein sequence and biophysical properties (such as structural, functional, and spatial information, amino acid conservation, physicochemical variation, residue mobility, and thermodynamic stability) indicates that this missense variant is not expected to disrupt SZT2 protein function with a negative predictive value of 80%. In summary, the available evidence is currently insufficient to determine the role of this variant in disease. Therefore, it has been classified as a Variant of Uncertain Significance.

GeneDx
Classification: Uncertain significance. Last evaluated: 2025-03-12. Review status: criteria provided, single submitter. Criteria: GeneDx Variant Classification Process June 2021. Collection method: clinical testing. Allele origin: germline. Affected: yes.
Comment: In silico analysis indicates that this missense variant does not alter protein structure/function; Has not been previously published as a pathogenic or benign germline variant to our knowledge; This variant is associated with the following publications: (PMID: 32579932)

NM_001365999.1(SZT2):c.682G>A (p.Val228Ile)

Gene: SZT2 (SZT2 subunit of KICSTOR complex; plus strand). Cytogenetic location: 1p34.2.
Variant type: single nucleotide variant.
Coding change: c.682G>A on transcript NM_001365999.1 (MANE Select); coding-DNA position 682, G replaced by A.
Protein change: p.Val228Ile; replaces valine 228 with isoleucine.
Molecular consequence: missense variant.
Genome position (GRCh38, 1-based): chr1:43,416,011, G>A. VCF-style: chr1-43416011-G-A. GRCh37 (hg19) VCF-style: chr1-43881682-G-A.
Other names: c.682G>A, p.Val228Ile (NM_015284.4); short protein forms V228I.
Identifiers: ClinVar variation 656227 (VCV000656227.8), dbSNP rs755334344, ClinGen allele CA808250.
Genomic context (GRCh38, chr1:43,416,011, plus strand): 5'-TTGGGGCAGGCAGAAGACCAGTCCCCAGACTCAGGGGACCTACTGGGCCGGAAGGTAGGC[G>A]TCTCCATGGTGACAGCTGATCTTGGGCTGGTCAGTATGATTCGTCAGGGCATCTTGGCAC-3'
Protein context (NP_001352928.1, residues 218-238): SGDLLGRKVG[Val228Ile]SMVTADLGLV